The following is an entry in ClinVar:

NM_020791.4(TAOK1):c.1135A>G (p.Ser379Gly)

Gene: TAOK1 (TAO kinase 1; plus strand). Cytogenetic location: 17q11.2.
Variant type: single nucleotide variant.
Coding change: c.1135A>G on transcript NM_020791.4 (MANE Select); coding-DNA position 1135, A replaced by G.
Protein change: p.Ser379Gly; replaces serine 379 with glycine.
Molecular consequence: missense variant.
Genome position (GRCh38, 1-based): chr17:29,498,453, A>G. VCF-style: chr17-29498453-A-G. GRCh37 (hg19) VCF-style: chr17-27825471-A-G.
Other names: c.1135A>G, p.Ser379Gly (NM_025142.1); short protein forms S379G.
Identifiers: ClinVar variation 3362812 (VCV003362812.3).

ClinVar aggregate classification (germline): Uncertain significance (1 of 4 stars; one submission).

Conditions:
Developmental delay with or without intellectual impairment or behavioral abnormalities. Identifiers: MedGen C5562004, MONDO:0859199, OMIM 619575.

Submission:

Neuberg Centre For Genomic Medicine, NCGM
Classification: Uncertain significance for Developmental delay with or without intellectual impairment or behavioral abnormalities. Review status: criteria provided, single submitter. Criteria: ACMG Guidelines, 2015. Collection method: clinical testing. Allele origin: germline. Inheritance: Autosomal dominant inheritance. Affected: yes.
Comment: The observed missense c.1135A>G(p.Ser379Gly) variant in TAOK1 gene has not been reported previously as a pathogenic variant nor as a benign variant, to our knowledge. This variant is absent in gnomAD Exomes. The amino acid Ser at position 379 is changed to a Gly changing protein sequence and it might alter its composition and physico-chemical properties. The amino acid change p.Ser379Gly in TAOK1 is predicted as conserved by GERP++ and PhyloP across 100 vertebrates. Computational evidence (Polyphen - Benign, SIFT - Tolerated, and MutationTaster - Disease causing) predicts conflicting evidence on protein structure and function for this variant. For these reasons, this variant has been classified as Uncertain Significance.